The following is an entry in ClinVar:

ClinVar aggregate classification (germline): Likely benign. Review status: criteria provided, multiple submitters, no conflicts (2 of 4 stars). 3 submissions from 3 submitters: Likely benign (2). 1 of the submissions does not count toward it. Last evaluated 2022-12-29.

Conditions:
Platelet-type bleeding disorder 9 (BDPLT9). Also called: GLYCOPROTEIN Ia DEFICIENCY; GP Ia DEFICIENCY; COLLAGEN PLATELET RECEPTOR DEFICIENCY. Identifiers: Orphanet 73271, Orphanet 98886, MedGen C3280114, MONDO:0013622, OMIM 614200.
ITGA2-related disorder. Also called: ITGA2-related condition.

Allele frequency attached by ClinVar (database versions not stated): gnomAD 0.00001; TOPMed 0.00001; ExAC 0.00002; gnomAD exomes 0.00003 and 0.00005.
gnomAD v4.1: 79 of 1,611,402 alleles (0.0049%); highest among the groups gnomAD compares: Non-Finnish European, 0.0062%; no homozygotes.

Submissions (3):

Blueprint Genetics
Classification: Likely benign. Last evaluated: 2022-12-29. Review status: criteria provided, single submitter. Criteria: ACMG Guidelines, 2015. Collection method: clinical testing. Allele origin: germline.

Illumina Laboratory Services, Illumina
Classification: Likely benign for Platelet-type bleeding disorder 9. Last evaluated: 2018-01-13. Review status: criteria provided, single submitter. Criteria: ICSL Variant Classification Criteria 13 December 2019. Collection method: clinical testing. Allele origin: germline.
Comment: This variant was observed in the ICSL laboratory as part of a predisposition screen in an ostensibly healthy population. It had not been previously curated by ICSL or reported in the Human Gene Mutation Database (HGMD: prior to June 1st, 2018), and was therefore a candidate for classification through an automated scoring system. Utilizing variant allele frequency, disease prevalence and penetrance estimates, and inheritance mode, an automated score was calculated to assess if this variant is too frequent to cause the disease. Based on the score and internal cut-off values, a variant classified as likely benign is not then subjected to further curation. The score for this variant resulted in a classification of likely benign for this disease.

PreventionGenetics, part of Exact Sciences
Classification: Likely benign for ITGA2-related condition. Last evaluated: 2019-05-21. Review status: no assertion criteria provided. Collection method: clinical testing. Allele origin: germline. Not counted in ClinVar's aggregate classification.
Comment: This variant is classified as likely benign based on ACMG/AMP sequence variant interpretation guidelines (Richards et al. 2015 PMID: 25741868, with internal and published modifications).

NM_002203.4(ITGA2):c.1524G>A (p.Val508=)

Gene: ITGA2 (integrin subunit alpha 2; plus strand). Cytogenetic location: 5q11.2.
Variant type: single nucleotide variant.
Coding change: c.1524G>A on transcript NM_002203.4 (MANE Select); coding-DNA position 1524, G replaced by A.
Protein change: p.Val508=; no amino-acid change (valine 508 retained).
Molecular consequence: synonymous variant. On other transcripts: non-coding transcript variant (5).
Genome position (GRCh38, 1-based): chr5:53,062,851, G>A. VCF-style: chr5-53062851-G-A. GRCh37 (hg19) VCF-style: chr5-52358681-G-A.
Identifiers: ClinVar variation 904561 (VCV000904561.6), dbSNP rs757932706, ClinGen allele CA3262923.